The following is an entry in ClinVar:

NM_007294.4(BRCA1):c.4185+10G>C

Gene: BRCA1 (BRCA1 DNA repair associated; minus strand). Cytogenetic location: 17q21.31.
Variant type: single nucleotide variant.
Coding change: c.4185+10G>C on transcript NM_007294.4 (MANE Select); 10 bases into the intron after coding-DNA position 4185, G replaced by C.
Molecular consequence: intron variant.
Genome position (GRCh38, 1-based): chr17:43,090,934, C>G on the plus strand (G>C on the coding strand, the complement: BRCA1 is on the minus strand). VCF-style: chr17-43090934-C-G. GRCh37 (hg19) VCF-style: chr17-41242951-C-G.
Other names: p.?; IVS12+10G>C; c.735+10G>C (NM_001408458.1, NM_001408469.1, NM_001408453.1 and 11 more transcripts); c.3297+10G>C (NM_001407967.1, NM_001407966.1); c.3804+10G>C (NM_001407959.1, NM_001407963.1, NM_001407960.1); c.3918+10G>C (NM_001407931.1, NM_001407932.1, NM_001407934.1 and 2 more transcripts); c.4041+10G>C (NM_001407747.1, NM_001407848.1, NM_001407839.1 and 20 more transcripts); c.3801+10G>C (NM_001407962.1); and 43 more.
Identifiers: ClinVar variation 125685 (VCV000125685.34), dbSNP rs80358104, ClinGen allele CA002680.

ClinVar aggregate classification (germline): Benign. Review status: reviewed by expert panel (3 of 4 stars). 13 submissions from 13 submitters: Benign (1). 12 of the submissions do not count toward it. Last evaluated 2019-06-18.

Conditions:
Hereditary cancer-predisposing syndrome. Also called: Tumor predisposition; Hereditary neoplastic syndrome; Hereditary Cancer Syndrome; Neoplastic Syndromes, Hereditary. Identifiers: Orphanet 140162, MedGen C0027672, MeSH D009386, MONDO:0015356.
Hereditary breast ovarian cancer syndrome. Also called: Hereditary breast and/or ovarian cancer syndrome; Breast and ovarian cancer; Hereditary breast and ovarian cancer syndrome; Hereditary breast and ovarian cancer; Hereditary breast and ovarian cancer syndrome (HBOC); BRCA1- and BRCA2-Associated Hereditary Breast and Ovarian Cancer. Identifiers: Orphanet 145, MedGen C0677776, MeSH D061325, MONDO:0003582. Disease mechanism: loss of function.
Breast-ovarian cancer, familial, susceptibility to, 1 (BROVCA1). Also called: BRCA1 Hereditary Breast and Ovarian Cancer; OVARIAN CANCER, SUSCEPTIBILITY TO. Identifiers: Orphanet 145, MedGen C2676676, MONDO:0011450, OMIM 604370. Disease mechanism: loss of function.

Allele frequency attached by ClinVar (database versions not stated): gnomAD 0.00003; ESP Exome Variant Server 0.00008.
gnomAD v4.1: 36 of 1,603,480 alleles (0.0022%); highest among the groups gnomAD compares: Non-Finnish European, 0.0028%; no homozygotes.

Submissions (13):

Evidence-based Network for the Interpretation of Germline Mutant Alleles (ENIGMA)
Classification: Benign for Breast-ovarian cancer, familial, susceptibility to, 1. Last evaluated: 2019-06-18. Review status: reviewed by expert panel. Criteria: ENIGMA BRCA1/2 Classification Criteria (2017-06-29). Collection method: curation. Allele origin: germline.
Comment: IARC class based on posterior probability from multifactorial likelihood analysis, thresholds for class as per Plon et al. 2008 (PMID: 18951446). Class 1 based on posterior probability = 0.000129

Labcorp Genetics (formerly Invitae), Labcorp
Classification: Benign for Hereditary breast ovarian cancer syndrome. Last evaluated: 2026-01-27. Review status: criteria provided, single submitter. Criteria: Invitae Variant Classification Sherloc (09022015). Collection method: clinical testing. Allele origin: germline. Not counted in ClinVar's aggregate classification.

Women's Health and Genetics/Laboratory Corporation of America, LabCorp
Classification: Likely benign. Last evaluated: 2025-02-17. Review status: criteria provided, single submitter. Criteria: LabCorp Variant Classification Summary - May 2015. Collection method: clinical testing. Allele origin: germline. Not counted in ClinVar's aggregate classification.
Comment: Variant summary: BRCA1 c.4185+10G>C alters a nucleotide located at a position not widely known to affect splicing. Consensus agreement among computation tools predict no significant impact on normal splicing. However, these predictions have yet to be confirmed by functional studies. The variant allele was found at a frequency of 2.9e-05 in 237410 control chromosomes, predominantly at a frequency of 6.7e-05 within the African or African-American subpopulation in the gnomAD database. The available data on variant occurrences in the general population are insufficient to allow any conclusion about variant significance. c.4185+10G>C has been reported in the literature in individuals affected with Hereditary Breast and Ovarian Cancer (Judkins_2005, Spearman_2008). These reports do not provide unequivocal conclusions about association of the variant with Hereditary Breast and Ovarian Cancer. Publications reporting multifactorial probability based models predict the variant to be neutral (Lindor_2012, Easton_2007). To our knowledge, no experimental evidence demonstrating an impact on protein function has been reported. The following publications have been ascertained in the context of this evaluation (PMID: 17924331, 16267036, 21990134, 18824701). ClinVar contains an entry for this variant (Variation ID: 125685). Based on the evidence outlined above, the variant was classified as likely benign.

Mayo Clinic Laboratories, Mayo Clinic
Classification: Benign. Last evaluated: 2024-12-22. Review status: criteria provided, single submitter. Criteria: ACMG Guidelines, 2015. Collection method: clinical testing. Allele origin: germline. Observed: 1 variant allele. Not counted in ClinVar's aggregate classification.
Comment: BS1_supporting, BP4, BP5_strong, BP7

Blueprint Genetics
Classification: Likely benign. Last evaluated: 2021-09-12. Review status: criteria provided, single submitter. Criteria: ACMG Guidelines, 2015. Collection method: clinical testing. Allele origin: germline. Not counted in ClinVar's aggregate classification.

ARUP Laboratories, Molecular Genetics and Genomics, ARUP Laboratories
Classification: Likely benign. Last evaluated: 2019-06-09. Review status: criteria provided, single submitter. Criteria: ARUP Molecular Germline Variant Investigation Process. Collection method: clinical testing. Allele origin: germline. Not counted in ClinVar's aggregate classification.

PreventionGenetics, part of Exact Sciences
Classification: Likely benign. Last evaluated: 2017-07-20. Review status: criteria provided, single submitter. Criteria: ACMG Guidelines, 2015. Collection method: clinical testing. Allele origin: germline. Not counted in ClinVar's aggregate classification.

GeneDx
Classification: Likely benign. Last evaluated: 2017-02-14. Review status: criteria provided, single submitter. Criteria: GeneDx Variant Classification (06012015). Collection method: clinical testing. Allele origin: germline. Affected: yes. Not counted in ClinVar's aggregate classification.
Comment: This variant is considered likely benign or benign based on one or more of the following criteria: it is a conservative change, it occurs at a poorly conserved position in the protein, it is predicted to be benign by multiple in silico algorithms, and/or has population frequency not consistent with disease.

Color Diagnostics, LLC DBA Color Health
Classification: Likely benign for Hereditary cancer-predisposing syndrome. Last evaluated: 2015-02-17. Review status: criteria provided, single submitter. Criteria: ACMG Guidelines, 2015. Collection method: clinical testing. Allele origin: germline. Not counted in ClinVar's aggregate classification.

Ambry Genetics
Classification: Benign for Hereditary cancer-predisposing syndrome. Last evaluated: 2014-11-18. Review status: criteria provided, single submitter. Criteria: Ambry Variant Classification Scheme 2023. Collection method: clinical testing. Allele origin: germline. Not counted in ClinVar's aggregate classification.

Counsyl
Classification: Benign for Breast-ovarian cancer, familial, susceptibility to, 1. Last evaluated: 2016-02-19. Review status: no assertion criteria provided. Collection method: clinical testing. Allele origin: unknown. Not counted in ClinVar's aggregate classification.

Sharing Clinical Reports Project (SCRP)
Classification: Benign for Breast-ovarian cancer, familial 1. Last evaluated: 2008-11-13. Review status: no assertion criteria provided. Collection method: clinical testing. Allele origin: germline. Not counted in ClinVar's aggregate classification.

Breast Cancer Information Core (BIC) (BRCA1)
Classification: Uncertain significance for Breast-ovarian cancer, familial 1. Last evaluated: 2004-02-20. Review status: no assertion criteria provided. Collection method: clinical testing. Allele origin: germline. Affected: yes. Observed: 2 variant alleles. Not counted in ClinVar's aggregate classification.

Literature cited by the submitters: PubMed 31131967 (cited by Evidence-based Network for the Interpretation of Germline Mutant Alleles (ENIGMA)); PubMed 16267036 (cited by Women's Health and Genetics/Laboratory Corporation of America, LabCorp and Counsyl); PubMed 21990134 (cited by Women's Health and Genetics/Laboratory Corporation of America, LabCorp and Counsyl); PubMed 17924331 (cited by Women's Health and Genetics/Laboratory Corporation of America, LabCorp and Counsyl); PubMed 18824701 (cited by Women's Health and Genetics/Laboratory Corporation of America, LabCorp and Counsyl).